The following is an entry in ClinVar:

ClinVar aggregate classification (germline): Uncertain significance (1 of 4 stars; one submission).

Submission:

Labcorp Genetics (formerly Invitae), Labcorp
Classification: Uncertain significance. Last evaluated: 2022-05-03. Review status: criteria provided, single submitter. Criteria: Invitae Variant Classification Sherloc (09022015). Collection method: clinical testing. Allele origin: germline.
Comment: Algorithms developed to predict the effect of missense changes on protein structure and function are either unavailable or do not agree on the potential impact of this missense change (SIFT: "Deleterious"; PolyPhen-2: "Probably Damaging"; Align-GVGD: "Class C15"). This sequence change replaces glutamic acid, which is acidic and polar, with valine, which is neutral and non-polar, at codon 365 of the ATF6 protein (p.Glu365Val). This variant is not present in population databases (gnomAD no frequency). This variant has not been reported in the literature in individuals affected with ATF6-related conditions. In summary, the available evidence is currently insufficient to determine the role of this variant in disease. Therefore, it has been classified as a Variant of Uncertain Significance.

NM_007348.4(ATF6):c.1094A>T (p.Glu365Val)

Gene: ATF6 (activating transcription factor 6; plus strand). Cytogenetic location: 1q23.3.
Variant type: single nucleotide variant.
Coding change: c.1094A>T on transcript NM_007348.4 (MANE Select); coding-DNA position 1094, A replaced by T.
Protein change: p.Glu365Val; replaces glutamic acid 365 with valine.
Molecular consequence: missense variant.
Genome position (GRCh38, 1-based): chr1:161,819,817, A>T. VCF-style: chr1-161819817-A-T. GRCh37 (hg19) VCF-style: chr1-161789607-A-T.
Other names: c.1094A>T, p.Glu365Val (NM_001410890.1); short protein forms E365V.
Identifiers: ClinVar variation 2133074 (VCV002133074.4), dbSNP rs1160705630, ClinGen allele CA343372980.